The following is an entry in ClinVar:

NM_031885.5(BBS2):c.1225+1del

Gene: BBS2 (Bardet-Biedl syndrome 2; minus strand). Cytogenetic location: 16q13.
Variant type: Deletion.
Coding change: c.1225+1del on transcript NM_031885.5 (MANE Select); the canonical splice donor site of the intron after coding-DNA position 1225, one base deleted (G; older notation c.1225+1delG).
Molecular consequence: splice donor variant.
Genome position (GRCh38, 1-based): chr16:56,501,352, C deleted on the plus strand (G on the coding strand, the reverse complement: BBS2 is on the minus strand); the first of 2 consecutive C bases (chr16:56,501,352-56,501,353); deleting either gives the same sequence. VCF-style (leftmost placement, unchanged base first): chr16-56501351-AC-A. GRCh37 (hg19) VCF-style: chr16-56535263-AC-A.
Other names: c.1225+1del (NM_001377456.1).
Identifiers: ClinVar variation 2815924 (VCV002815924.3), dbSNP rs2543708990, ClinGen allele CA2739266808.
Genomic context (GRCh38, chr16:56,501,351, plus strand): 5'-AAAAAGAATGACTCCAAGATGGCACAGGTGCCTCTAAATACCAGCTGTGAGTACTGTCTT[AC>A]CATTAGAAGTGGAAATGCGTAATTCTGTATGAGCAGTTTGGGTCTCATTCCCCAGGCTGA-3'

ClinVar aggregate classification (germline): Pathogenic (1 of 4 stars; one submission).

Conditions:
Bardet-Biedl syndrome (BBS). Identifiers: Orphanet 110, MedGen C0752166, MONDO:0015229.

Submission:

Labcorp Genetics (formerly Invitae), Labcorp
Classification: Pathogenic for Bardet-Biedl syndrome. Last evaluated: 2024-03-11. Review status: criteria provided, single submitter. Criteria: Invitae Variant Classification Sherloc (09022015). Collection method: clinical testing. Allele origin: germline.
Comment: This sequence change creates a premature translational stop signal (p.Asp409Thrfs*8) in the BBS2 gene. It is expected to result in an absent or disrupted protein product. Loss-of-function variants in BBS2 are known to be pathogenic (PMID: 11285252, 20177705, 24608809, 26518167). This variant is not present in population databases (gnomAD no frequency). This variant has not been reported in the literature in individuals affected with BBS2-related conditions. This variant is also known as c.1225+1del. Algorithms developed to predict the effect of sequence changes on RNA splicing suggest that this variant may disrupt the consensus splice site. For these reasons, this variant has been classified as Pathogenic.

Literature cited by the submitters: PubMed 11285252; PubMed 20177705; PubMed 24608809; PubMed 26518167.